The following is an entry in ClinVar:

NM_001715.3(BLK):c.803T>C (p.Ile268Thr)

Genes: BLK (BLK proto-oncogene, Src family tyrosine kinase), BLK-AS1 (BLK antisense RNA 1). Cytogenetic location: 8p23.1.
Variant type: single nucleotide variant.
Coding change: c.803T>C on transcript NM_001715.3 (MANE Select); coding-DNA position 803, T replaced by C.
Protein change: p.Ile268Thr; replaces isoleucine 268 with threonine.
Molecular consequence: missense variant.
Genome position (GRCh38, 1-based): chr8:11,556,688, T>C. VCF-style: chr8-11556688-T-C. GRCh37 (hg19) VCF-style: chr8-11414197-T-C.
Other names: c.590T>C, p.Ile197Thr (NM_001330465.2); c.803T>C (NM_001715.2); short protein forms I197T, I268T.
Identifiers: ClinVar variation 3609458 (VCV003609458.3).

ClinVar aggregate classification (germline): Uncertain significance. Review status: criteria provided, multiple submitters, no conflicts (2 of 4 stars). 2 submissions from 2 submitters: Uncertain significance (2). Last evaluated 2025-05-04.

gnomAD v4.1: 13 of 1,614,160 alleles (0.00081%); highest among the groups gnomAD compares: Non-Finnish European, 0.0011%; no homozygotes.

Submissions (2):

Ambry Genetics
Classification: Uncertain significance. Last evaluated: 2025-05-04. Review status: criteria provided, single submitter. Criteria: Ambry Variant Classification Scheme 2023. Collection method: clinical testing. Allele origin: germline.

Labcorp Genetics (formerly Invitae), Labcorp
Classification: Uncertain significance. Last evaluated: 2024-08-21. Review status: criteria provided, single submitter. Criteria: Invitae Variant Classification Sherloc (09022015). Collection method: clinical testing. Allele origin: germline.
Comment: This sequence change replaces isoleucine, which is neutral and non-polar, with threonine, which is neutral and polar, at codon 268 of the BLK protein (p.Ile268Thr). This variant is not present in population databases (gnomAD no frequency). This variant has not been reported in the literature in individuals affected with BLK-related conditions. An algorithm developed to predict the effect of missense changes on protein structure and function (PolyPhen-2) suggests that this variant is likely to be disruptive. In summary, the available evidence is currently insufficient to determine the role of this variant in disease. Therefore, it has been classified as a Variant of Uncertain Significance.